The following is an entry in ClinVar:

ClinVar aggregate classification (germline): Uncertain significance (1 of 4 stars; one submission).

Conditions:
Epilepsy, familial adult myoclonic, 5 (EPEO5). Also called: CORTICAL MYOCLONIC TREMOR WITH EPILEPSY, FAMILIAL, 5. Identifiers: Orphanet 86814, MedGen C3809374, MONDO:0014167, OMIM 615400.

Allele frequency attached by ClinVar (database versions not stated): ExAC 0.00001; gnomAD 0.00001; gnomAD exomes 0.00001.
gnomAD v4.1: 20 of 1,613,968 alleles (0.0012%); highest among the groups gnomAD compares: Middle Eastern, 0.016%; no homozygotes.

Submission:

Labcorp Genetics (formerly Invitae), Labcorp
Classification: Uncertain significance for Epilepsy, familial adult myoclonic, 5. Last evaluated: 2022-05-04. Review status: criteria provided, single submitter. Criteria: Invitae Variant Classification Sherloc (09022015). Collection method: clinical testing. Allele origin: germline.
Comment: This sequence change replaces arginine, which is basic and polar, with glutamine, which is neutral and polar, at codon 561 of the CNTN2 protein (p.Arg561Gln). This variant is present in population databases (rs776894509, gnomAD 0.009%). This variant has not been reported in the literature in individuals affected with CNTN2-related conditions. Advanced modeling of protein sequence and biophysical properties (such as structural, functional, and spatial information, amino acid conservation, physicochemical variation, residue mobility, and thermodynamic stability) performed at Invitae indicates that this missense variant is not expected to disrupt CNTN2 protein function. In summary, the available evidence is currently insufficient to determine the role of this variant in disease. Therefore, it has been classified as a Variant of Uncertain Significance.

NM_005076.5(CNTN2):c.1682G>A (p.Arg561Gln)

Gene: CNTN2 (contactin 2; plus strand). Cytogenetic location: 1q32.1.
Variant type: single nucleotide variant.
Coding change: c.1682G>A on transcript NM_005076.5 (MANE Select); coding-DNA position 1682, G replaced by A.
Protein change: p.Arg561Gln; replaces arginine 561 with glutamine.
Molecular consequence: missense variant. On other transcripts: non-coding transcript variant (1).
Genome position (GRCh38, 1-based): chr1:205,065,249, G>A. VCF-style: chr1-205065249-G-A. GRCh37 (hg19) VCF-style: chr1-205034377-G-A.
Other names: c.1682G>A, p.Arg561Gln (NM_001346083.2); short protein forms R561Q.
Identifiers: ClinVar variation 1911798 (VCV001911798.2), dbSNP rs776894509, ClinGen allele CA1351443.